The following is an entry in ClinVar:

NM_001034853.2(RPGR):c.2185_2209del (p.Glu729fs)

Gene: RPGR (retinitis pigmentosa GTPase regulator; minus strand). Cytogenetic location: Xp11.4.
Variant type: Deletion.
Coding change: c.2185_2209del on transcript NM_001034853.2 (MANE Select); coding-DNA positions 2185 to 2209, 25 bases deleted (GAGGGAGGGGAGGAGGAGCATGGAG).
Protein change: p.Glu729fs; shifts the reading frame from glutamic acid 729.
Molecular consequence: frameshift variant. On other transcripts: intron variant (8).
Genome position (GRCh38, 1-based): chrX:38,286,790-38,286,814, CTCCATGCTCCTCCTCCCCTCCCTC deleted on the plus strand (GAGGGAGGGGAGGAGGAGCATGGAG on the coding strand, the reverse complement: RPGR is on the minus strand); deleting any 25 consecutive bases within chrX:38,286,790-38,286,820 gives the same sequence; the c. name uses the placement nearest the transcript's 3' end. VCF-style (leftmost placement, unchanged base first): chrX-38286789-TCTCCATGCTCCTCCTCCCCTCCCTC-T. GRCh37 (hg19) VCF-style: chrX-38146042-TCTCCATGCTCCTCCTCCCCTCCCTC-T.
Other names: c.1569+4145_1569+4169del (NM_001367249.1, NM_001367250.1); c.1902+280_1902+304del (NM_001367245.1); c.1386+4145_1386+4169del (NM_001367251.1); c.1719+280_1719+304del (NM_001367246.1); c.1572+4145_1572+4169del (NM_001367247.1); c.1905+280_1905+304del (NM_000328.3); c.1602+4145_1602+4169del (NM_001367248.1); short protein forms E729fs.
Identifiers: ClinVar variation 5019167 (VCV005019167.2).
Genomic context (GRCh38, chrX:38,286,789, plus strand): 5'-TCTTTCCCTTCTCCCTCCTTCTCTTCTTCCTCTTCTCTGTCTCCCTCCTCTTCTTCTCCT[TCTCCATGCTCCTCCTCCCCTCCCTC>T]CTCCATCTCTTGGTTTCTTTCCTTCTGATGGCCCTGCTCCCTCTCCTTTTGCTCCTGCTC-3'

ClinVar aggregate classification (germline): Uncertain significance (1 of 4 stars; one submission).

Conditions:
Macular degeneration, X-linked atrophic. Identifiers: Orphanet 1872, MedGen C3151784, MONDO:0010443, OMIM 300834.
Retinitis pigmentosa 3. Also called: CHOROIDORETINAL DEGENERATION WITH RETINAL REFLEX IN HETEROZYGOUS WOMEN. Identifiers: Orphanet 791, MedGen C1845667, MONDO:0010227, OMIM 300029.
Retinitis pigmentosa, X-linked, and sinorespiratory infections, with or without deafness (RPSRDF). Identifiers: Orphanet 247522, MedGen C2749137, OMIM 300455.
X-linked cone-rod dystrophy 1 (CORDX1). Identifiers: Orphanet 1872, MedGen C1844776, MONDO:0010566, OMIM 304020.

Submission:

Juno Genomics, Hangzhou Juno Genomics, Inc
Classification: Uncertain significance for X-linked cone-rod dystrophy 1; Macular degeneration, X-linked atrophic; Retinitis pigmentosa 3; Retinitis pigmentosa, X-linked, and sinorespiratory infections, with or without deafness. Review status: criteria provided, single submitter. Criteria: ACMG Guidelines, 2015. Collection method: clinical testing. Allele origin: germline.
Comment: Absent from controls (or at extremely low frequency if recessive) in Genome Aggregation Database.;Null variant in a gene where loss of function (LOF) is a known mechanism of disease.